The following is an entry in ClinVar:

NM_001278512.2(AP3B2):c.1789C>T (p.Arg597Cys)

Genes: AP3B2 (adaptor related protein complex 3 subunit beta 2; minus strand), CPEB1-AS1 (CPEB1 antisense RNA 1; plus strand). Cytogenetic location: 15q25.2.
Variant type: single nucleotide variant.
Coding change: c.1789C>T on transcript NM_001278512.2 (MANE Select); coding-DNA position 1789, C replaced by T.
Protein change: p.Arg597Cys; replaces arginine 597 with cysteine.
Molecular consequence: missense variant.
Genome position (GRCh38, 1-based): chr15:82,666,810, G>A on the plus strand (C>T on the coding strand, the complement: AP3B2 is on the minus strand). VCF-style: chr15-82666810-G-A. GRCh37 (hg19) VCF-style: chr15-83335562-G-A.
Other names: c.1693C>T, p.Arg565Cys (NM_001278511.2); c.1789C>T, p.Arg597Cys (NM_004644.5); short protein forms R597C, R565C.
Identifiers: ClinVar variation 452431 (VCV000452431.7), dbSNP rs151231029, ClinGen allele CA273484037.

ClinVar aggregate classification (germline): Uncertain significance. Review status: criteria provided, multiple submitters, no conflicts (2 of 4 stars). 2 submissions from 2 submitters: Uncertain significance (2). Last evaluated 2022-07-23.

Allele frequency attached by ClinVar (database versions not stated): gnomAD exomes below 0.00001 and 0.00001; TOPMed below 0.00001; gnomAD 0.00001; 1000 Genomes Project 30x 0.00016; 1000 Genomes Project 0.00020.
gnomAD v4.1: 9 of 1,614,000 alleles (0.00056%); highest among the groups gnomAD compares: Non-Finnish European, 0.00059%; no homozygotes.

Submissions (2):

Labcorp Genetics (formerly Invitae), Labcorp
Classification: Uncertain significance. Last evaluated: 2022-07-23. Review status: criteria provided, single submitter. Criteria: Invitae Variant Classification Sherloc (09022015). Collection method: clinical testing. Allele origin: germline.
Comment: This sequence change replaces arginine, which is basic and polar, with cysteine, which is neutral and slightly polar, at codon 597 of the AP3B2 protein (p.Arg597Cys). This variant is present in population databases (rs151231029, gnomAD 0.0009%). This variant has not been reported in the literature in individuals affected with AP3B2-related conditions. ClinVar contains an entry for this variant (Variation ID: 452431). Algorithms developed to predict the effect of missense changes on protein structure and function are either unavailable or do not agree on the potential impact of this missense change (SIFT: "Deleterious"; PolyPhen-2: "Benign"; Align-GVGD: "Class C35"). In summary, the available evidence is currently insufficient to determine the role of this variant in disease. Therefore, it has been classified as a Variant of Uncertain Significance.

GeneDx
Classification: Uncertain significance. Last evaluated: 2017-10-03. Review status: criteria provided, single submitter. Criteria: GeneDx Variant Classification (06012015). Collection method: clinical testing. Allele origin: germline. Affected: yes.
Comment: The R597C variant in the AP3B2 gene has not been reported previously as a pathogenic variant, nor as a benign variant, to our knowledge. The R597C variant is not observed at a significant frequency in large population cohorts (Lek et al., 2016). The R597C variant is a non-conservative amino acid substitution, which is likely to impact secondary protein structure as these residues differ in polarity, charge, size and/or other properties. This substitution occurs at a position where amino acids with similar properties to Arginine are tolerated across species. In silico analysis predicts this variant is probably damaging to the protein structure/function. We interpret R597C as a variant of uncertain significance.